The following is an entry in ClinVar:

NM_172107.4(KCNQ2):c.757G>A (p.Ala253Thr)

Gene: KCNQ2 (potassium voltage-gated channel subfamily Q member 2; minus strand). Cytogenetic location: 20q13.33.
Variant type: single nucleotide variant.
Coding change: c.757G>A on transcript NM_172107.4 (MANE Select); coding-DNA position 757, G replaced by A.
Protein change: p.Ala253Thr; replaces alanine 253 with threonine.
Molecular consequence: missense variant.
Genome position (GRCh38, 1-based): chr20:63,442,465, C>T on the plus strand (G>A on the coding strand, the complement: KCNQ2 is on the minus strand). VCF-style: chr20-63442465-C-T. GRCh37 (hg19) VCF-style: chr20-62073818-C-T.
Other names: c.757G>A, p.Ala253Thr (NM_004518.6, NM_172106.3, NM_172108.5 and 1 more transcripts); short protein forms A253T.
Identifiers: ClinVar variation 369761 (VCV000369761.3), dbSNP rs1057516093, ClinGen allele CA10654818.
Genomic context (GRCh38, chr20:63,442,465, plus strand): 5'-CCAGGCCCCACCAGAGTGCATCCGCGTAGGTGTCAAAGTGGTCGTTCTCCCCCTTCTCTG[C>T]CAAGTACACCAGGAACGAGGCCAGGATGAGACAAAGGAAGCCGATGTACCAGGCAGTGAC-3'
Protein context (NP_742105.1, residues 243-263): LILASFLVYL[Ala253Thr]EKGENDHFDT

ClinVar aggregate classification (germline): Likely pathogenic. Review status: criteria provided, single submitter (1 of 4 stars). 2 submissions from 2 submitters: Likely pathogenic (1). 1 of the submissions does not count toward it. Last evaluated 2022-12-23.

Conditions:
Developmental and epileptic encephalopathy, 7 (DEE7). Also called: KCNQ2-Related Neonatal Epileptic Encephalopathy; Early infantile epileptic encephalopathy 7; KCNQ2-Related Neonatal-Onset Developmental and Epileptic Encephalopathy (NEO-DEE). Identifiers: Orphanet 439218, MedGen C3150986, MONDO:0013387, OMIM 613720.

Submissions (2):

Institute of Human Genetics, University of Leipzig Medical Center
Classification: Likely pathogenic for Developmental and epileptic encephalopathy, 7. Last evaluated: 2022-12-23. Review status: criteria provided, single submitter. Criteria: ACMG Guidelines, 2015. Collection method: clinical testing. Allele origin: unknown. Affected: yes.
Comment: _x000D_ Criteria applied: PM5_STR, PM1, PS4_SUP, PM2_SUP, PP3

GeneReviews
No classification provided. Condition: Developmental and epileptic encephalopathy, 7. Review status: no classification provided. Collection method: literature only. Allele origin: germline. Affected: yes. Not counted in ClinVar's aggregate classification.
Comment: Uncertain severity

Literature cited by the submitters: PubMed 25959266 (cited by GeneReviews); NCBI Bookshelf NBK32534 (cited by GeneReviews).